The following is an entry in ClinVar:

NM_024675.4(PALB2):c.2016dup (p.Glu673fs)

Gene: PALB2 (partner and localizer of BRCA2; minus strand). Cytogenetic location: 16p12.2.
Variant type: Duplication.
Coding change: c.2016dup on transcript NM_024675.4 (MANE Select); coding-DNA position 2016, one base duplicated (A; older notation c.2016dupA).
Protein change: p.Glu673fs; shifts the reading frame from glutamic acid 673.
Molecular consequence: frameshift variant.
Genome position (GRCh38, 1-based): chr16:23,630,138, T duplicated on the plus strand (A on the coding strand, the reverse complement: PALB2 is on the minus strand); the first of 2 consecutive T bases (chr16:23,630,138-23,630,139); duplicating either gives the same sequence. VCF-style (leftmost placement, unchanged base first): chr16-23630137-C-CT. GRCh37 (hg19) VCF-style: chr16-23641458-C-CT.
Other names: c.2016dupA (NM_024675.3); short protein forms E673fs.
Identifiers: ClinVar variation 956312 (VCV000956312.10), dbSNP rs1966861906, ClinGen allele CA1139664595.

ClinVar aggregate classification (germline): Pathogenic. Review status: criteria provided, multiple submitters, no conflicts (2 of 4 stars). 3 submissions from 3 submitters: Pathogenic (3). Last evaluated 2025-08-29.

Conditions:
Hereditary cancer-predisposing syndrome. Also called: Hereditary neoplastic syndrome; Tumor predisposition; Neoplastic Syndromes, Hereditary; Hereditary Cancer Syndrome. Identifiers: Orphanet 140162, MedGen C0027672, MeSH D009386, MONDO:0015356.
Familial cancer of breast. Also called: hereditary breast carcinoma; Hereditary breast cancer; BREAST CANCER, FAMILIAL. Identifiers: Orphanet 227535, MedGen C0346153, MONDO:0016419, OMIM 114480. Disease mechanism: loss of function.

Submissions (3):

Labcorp Genetics (formerly Invitae), Labcorp
Classification: Pathogenic for Familial cancer of breast. Last evaluated: 2025-08-29. Review status: criteria provided, single submitter. Criteria: Invitae Variant Classification Sherloc (09022015). Collection method: clinical testing. Allele origin: germline.
Comment: This sequence change creates a premature translational stop signal (p.Glu673Argfs*42) in the PALB2 gene. It is expected to result in an absent or disrupted protein product. Loss-of-function variants in PALB2 are known to be pathogenic (PMID: 17200668, 17200671, 17200672, 24136930, 25099575). This variant is not present in population databases (gnomAD no frequency). This variant has not been reported in the literature in individuals affected with PALB2-related conditions. ClinVar contains an entry for this variant (Variation ID: 956312). For these reasons, this variant has been classified as Pathogenic.

Ambry Genetics
Classification: Pathogenic for Hereditary cancer-predisposing syndrome. Last evaluated: 2025-07-09. Review status: criteria provided, single submitter. Criteria: Ambry Variant Classification Scheme 2023. Collection method: clinical testing. Allele origin: germline.
Comment: The c.2016dupA pathogenic mutation, located in coding exon 5 of the PALB2 gene, results from a duplication of A at nucleotide position 2016, causing a translational frameshift with a predicted alternate stop codon (p.E673Rfs*42). This variant is considered to be rare based on population cohorts in the Genome Aggregation Database (gnomAD). This alteration is expected to result in loss of function by premature protein truncation or nonsense-mediated mRNA decay. As such, this alteration is interpreted as a disease-causing mutation.

Myriad Genetics, Inc.
Classification: Pathogenic for Familial cancer of breast. Last evaluated: 2023-09-12. Review status: criteria provided, single submitter. Criteria: Myriad Autosomal Dominant, Autosomal Recessive and X-Linked Classification Criteria (2023). Collection method: clinical testing. Allele origin: unknown.
Comment: This variant is considered pathogenic. This variant creates a frameshift predicted to result in premature protein truncation.

Literature cited by the submitters: PubMed 17200668 (cited by Labcorp Genetics (formerly Invitae), Labcorp); PubMed 17200671 (cited by Labcorp Genetics (formerly Invitae), Labcorp); PubMed 17200672 (cited by Labcorp Genetics (formerly Invitae), Labcorp); PubMed 24136930 (cited by Labcorp Genetics (formerly Invitae), Labcorp); PubMed 25099575 (cited by Labcorp Genetics (formerly Invitae), Labcorp).